The following is an entry in ClinVar:

ClinVar aggregate classification (germline): Likely benign (1 of 4 stars; one submission).

gnomAD v4.1: 799 of 1,614,048 alleles (0.05%); highest among the groups gnomAD compares: Admixed American, 0.37%; 1 homozygote.

Submission:

CeGaT Center for Human Genetics Tuebingen
Classification: Likely benign. Last evaluated: 2026-09-01. Review status: criteria provided, single submitter. Criteria: CeGaT Center For Human Genetics Tuebingen Variant Classification Criteria Version 2. Collection method: clinical testing. Allele origin: germline. Affected: yes. Observed: 1 variant allele.
Comment: NUP188: BP4, BP7

NM_015354.3(NUP188):c.4554C>G (p.Val1518=)

Gene: NUP188 (nucleoporin 188; plus strand). Cytogenetic location: 9q34.11.
Variant type: single nucleotide variant.
Coding change: c.4554C>G on transcript NM_015354.3 (MANE Select); coding-DNA position 4554, C replaced by G.
Protein change: p.Val1518=; no amino-acid change (valine 1518 retained).
Molecular consequence: synonymous variant.
Genome position (GRCh38, 1-based): chr9:129,005,347, C>G. VCF-style: chr9-129005347-C-G. GRCh37 (hg19) VCF-style: chr9-131767626-C-G.
Identifiers: ClinVar variation 5040870 (VCV005040870.1).